The following is an entry in ClinVar:

NM_022489.4(INF2):c.2845G>A (p.Ala949Thr)

Gene: INF2 (inverted formin 2; plus strand). Cytogenetic location: 14q32.33.
Variant type: single nucleotide variant.
Coding change: c.2845G>A on transcript NM_022489.4 (MANE Select); coding-DNA position 2845, G replaced by A.
Protein change: p.Ala949Thr; replaces alanine 949 with threonine.
Molecular consequence: missense variant.
Genome position (GRCh38, 1-based): chr14:104,713,276, G>A. VCF-style: chr14-104713276-G-A. GRCh37 (hg19) VCF-style: chr14-105179613-G-A.
Other names: c.2845G>A, p.Ala949Thr (NM_001031714.4); short protein forms A949T.
Identifiers: ClinVar variation 1328143 (VCV001328143.9), dbSNP rs2140695225, ClinGen allele CA391222769.
Genomic context (GRCh38, chr14:104,713,276, plus strand): 5'-GACCGGAAGGAGCAGGCGGCGAAGGCAGAGAGGAGGAAGCAGCAGCTGGCGGAGGAGGAG[G>A]CGCGGCGGCCTCGGGGAGAGGACGGGAAGCCTGGTGAGGCTGGGCCGGCTGGGCGGGGAG-3'
Protein context (NP_071934.3, residues 939-959): RRKQQLAEEE[Ala949Thr]RRPRGEDGKP

ClinVar aggregate classification (germline): Uncertain significance. Review status: criteria provided, multiple submitters, no conflicts (2 of 4 stars). 2 submissions from 2 submitters: Uncertain significance (2). Last evaluated 2021-10-06.

Conditions:
Focal segmental glomerulosclerosis 5 (FSGS5). Identifiers: Orphanet 656, MedGen C2750475, MONDO:0013191, OMIM 613237.
Charcot-Marie-Tooth disease dominant intermediate E. Also called: CHARCOT-MARIE-TOOTH NEUROPATHY WITH FOCAL SEGMENTAL GLOMERULONEPHRITIS. Identifiers: Orphanet 93114, MedGen C4302667, MONDO:0013758, OMIM 614455.

Submissions (2):

Illumina Laboratory Services, Illumina
Classification: Uncertain significance for Charcot-Marie-Tooth disease dominant intermediate E. Last evaluated: 2021-10-06. Review status: criteria provided, single submitter. Criteria: ICSLVariantClassificationCriteria RUGD 01 April 2020. Collection method: clinical testing. Allele origin: unknown.
Comment: The INF2 c.2845G>A (p.Ala949Thr) variant is a missense variant. A literature search was performed for the gene, cDNA change, and amino acid change. No publications were found based on this search. This variant is not found in the Genome Aggregation Database (version 2.1.1 or version 3.1.1) in a region of good sequence coverage, so the variant is presumed to be rare. Based on the limited evidence, the p.Ala949Thr is classified as a variant of uncertain significance for Charcot-Marie-Tooth disease dominant intermediate E.

Labcorp Genetics (formerly Invitae), Labcorp
Classification: Uncertain significance for Charcot-Marie-Tooth disease dominant intermediate E; Focal segmental glomerulosclerosis 5. Last evaluated: 2021-10-05. Review status: criteria provided, single submitter. Criteria: Invitae Variant Classification Sherloc (09022015). Collection method: clinical testing. Allele origin: germline.
Comment: Algorithms developed to predict the effect of missense changes on protein structure and function are either unavailable or do not agree on the potential impact of this missense change (SIFT: "Tolerated"; PolyPhen-2: "Not Available"; Align-GVGD: "Class C0"). In summary, the available evidence is currently insufficient to determine the role of this variant in disease. Therefore, it has been classified as a Variant of Uncertain Significance. This variant has not been reported in the literature in individuals affected with INF2-related conditions. This variant is not present in population databases (ExAC no frequency). This sequence change replaces alanine with threonine at codon 949 of the INF2 protein (p.Ala949Thr). The alanine residue is weakly conserved and there is a small physicochemical difference between alanine and threonine.